The following is an entry in ClinVar:

NM_152641.4(ARID2):c.1445G>A (p.Arg482Lys)

Gene: ARID2 (AT-rich interaction domain 2; plus strand). Cytogenetic location: 12q12.
Variant type: single nucleotide variant.
Coding change: c.1445G>A on transcript NM_152641.4 (MANE Select); coding-DNA position 1445, G replaced by A.
Protein change: p.Arg482Lys; replaces arginine 482 with lysine.
Molecular consequence: missense variant.
Genome position (GRCh38, 1-based): chr12:45,839,443, G>A. VCF-style: chr12-45839443-G-A. GRCh37 (hg19) VCF-style: chr12-46233226-G-A.
Other names: c.1445G>A, p.Arg482Lys (NM_001347839.2); short protein forms R482K.
Identifiers: ClinVar variation 1800907 (VCV001800907.1), dbSNP rs2138137344, ClinGen allele CA384459240.

ClinVar aggregate classification (germline): Uncertain significance (1 of 4 stars; one submission).

Submission:

GeneDx
Classification: Uncertain significance. Last evaluated: 2022-05-23. Review status: criteria provided, single submitter. Criteria: GeneDx Variant Classification Process June 2021. Collection method: clinical testing. Allele origin: germline. Affected: yes.
Comment: Not observed at significant frequency in large population cohorts (gnomAD); In silico analysis supports that this missense variant does not alter protein structure/function; Has not been previously published as pathogenic or benign to our knowledge